The following is an entry in ClinVar:

NM_001378452.1(ITPR1):c.3664G>A (p.Ala1222Thr)

Gene: ITPR1 (inositol 1,4,5-trisphosphate receptor type 1; plus strand). Cytogenetic location: 3p26.1.
Variant type: single nucleotide variant.
Coding change: c.3664G>A on transcript NM_001378452.1 (MANE Select); coding-DNA position 3664, G replaced by A.
Protein change: p.Ala1222Thr; replaces alanine 1222 with threonine.
Molecular consequence: missense variant.
Genome position (GRCh38, 1-based): chr3:4,685,168, G>A. VCF-style: chr3-4685168-G-A. GRCh37 (hg19) VCF-style: chr3-4726852-G-A.
Other names: c.3637G>A, p.Ala1213Thr (NM_001099952.4); c.3619G>A, p.Ala1207Thr (NM_001168272.2); c.3592G>A, p.Ala1198Thr (NM_002222.7); c.3592G>A (NM_002222.5); short protein forms A1207T, A1213T, A1198T, A1222T.
Identifiers: ClinVar variation 447584 (VCV000447584.9), dbSNP rs372881053, ClinGen allele CA2231766.
Genomic context (GRCh38, chr3:4,685,168, plus strand): 5'-GCCTCAGTGAGAAAGAGCAGGAAGCAGCAACAGCGTCTGCTCCGGAACATGGGCGCGCAC[G>A]CCGTGGTGCTGGAGCTGCTGCAGATTCCCTATGAGAAGGTGAGCGGTGCCTCATGCACAG-3'
Protein context (NP_001365381.1, residues 1212-1232): QRLLRNMGAH[Ala1222Thr]VVLELLQIPY

ClinVar aggregate classification (germline): Uncertain significance. Review status: criteria provided, multiple submitters, no conflicts (2 of 4 stars). 5 submissions from 5 submitters: Uncertain significance (5). Last evaluated 2025-12-31.

Conditions:
Inborn genetic diseases. Identifiers: MedGen C0950123, MeSH D030342.
Spinocerebellar ataxia type 15/16 (SCA15). Also called: Spinocerebellar Ataxia Type 15. Identifiers: Orphanet 98769, MedGen C1847725, MONDO:0011694, OMIM 606658.
Gillespie syndrome (GLSP). Also called: Aniridia, cerebellar ataxia, and mental deficiency; Aniridia-cerebellar ataxia-intellectual disability syndrome. Identifiers: Orphanet 1065, MedGen C0431401, MONDO:0008795, OMIM 206700.
Spinocerebellar ataxia type 29 (SCA29). Also called: Spinocerebellar ataxia 29, congenital nonprogressive; CEREBELLAR ATAXIA, CONGENITAL NONPROGRESSIVE, AUTOSOMAL DOMINANT. Identifiers: Orphanet 208513, MedGen C1861732, MONDO:0007298, OMIM 117360.

Allele frequency attached by ClinVar (database versions not stated): gnomAD 0.00005 and 0.00006; TOPMed 0.00005; ESP Exome Variant Server 0.00008; gnomAD exomes 0.00008; ExAC 0.00010.
gnomAD v4.1: 77 of 1,606,970 alleles (0.0048%); highest among the groups gnomAD compares: Admixed American, 0.015%; no homozygotes.

Submissions (5):

Labcorp Genetics (formerly Invitae), Labcorp
Classification: Uncertain significance. Last evaluated: 2025-12-31. Review status: criteria provided, single submitter. Criteria: Invitae Variant Classification Sherloc (09022015). Collection method: clinical testing. Allele origin: germline.
Comment: This sequence change replaces alanine, which is neutral and non-polar, with threonine, which is neutral and polar, at codon 1198 of the ITPR1 protein (p.Ala1198Thr). This variant is present in population databases (rs372881053, gnomAD 0.02%). This variant has not been reported in the literature in individuals affected with ITPR1-related conditions. ClinVar contains an entry for this variant (Variation ID: 447584). Invitae Evidence Modeling of protein sequence and biophysical properties (such as structural, functional, and spatial information, amino acid conservation, physicochemical variation, residue mobility, and thermodynamic stability) indicates that this missense variant is not expected to disrupt ITPR1 protein function with a negative predictive value of 95%. In summary, the available evidence is currently insufficient to determine the role of this variant in disease. Therefore, it has been classified as a Variant of Uncertain Significance.

Athena Diagnostics
Classification: Uncertain significance. Last evaluated: 2025-06-25. Review status: criteria provided, single submitter. Criteria: Athena Diagnostics Criteria. Collection method: clinical testing. Allele origin: unknown.
Comment: Available data are insufficient to determine the clinical significance of the variant at this time. The frequency of this variant in the general population is higher than would generally be expected for pathogenic variants in this gene. Polyphen and MutationTaster predict this amino acid change may be benign.

Ambry Genetics
Classification: Uncertain significance for Inborn genetic diseases. Last evaluated: 2023-12-12. Review status: criteria provided, single submitter. Criteria: Ambry Variant Classification Scheme 2023. Collection method: clinical testing. Allele origin: germline.

GeneDx
Classification: Uncertain significance. Last evaluated: 2022-11-17. Review status: criteria provided, single submitter. Criteria: GeneDx Variant Classification Process June 2021. Collection method: clinical testing. Allele origin: germline. Affected: yes.
Comment: In silico analysis supports that this missense variant does not alter protein structure/function; Has not been previously published as pathogenic or benign to our knowledge

Fulgent Genetics
Classification: Uncertain significance for Spinocerebellar ataxia type 29; Gillespie syndrome; Spinocerebellar ataxia type 15/16. Last evaluated: 2018-10-31. Review status: criteria provided, single submitter. Criteria: ACMG Guidelines, 2015. Collection method: clinical testing. Allele origin: unknown.